The following is an entry in ClinVar:

ClinVar aggregate classification (germline): Benign. Review status: criteria provided, multiple submitters, no conflicts (2 of 4 stars). 12 submissions from 12 submitters: Benign (9). 3 of the submissions do not count toward it. Last evaluated 2026-02-04.

Conditions:
Diabetes mellitus. Also called: Diabetes mellitus (disease). Identifiers: MedGen C0011849, MONDO:0005015, HP:0000819.
Neonatal diabetes mellitus with congenital hypothyroidism. Also called: NDH SYNDROME. Identifiers: Orphanet 79118, MedGen C1857775, MONDO:0012436, OMIM 610199.

Allele frequency attached by ClinVar (database versions not stated): gnomAD 0.62075 and 0.62357; ESP Exome Variant Server 0.66927; gnomAD exomes 0.67001; ExAC 0.67298; 1000 Genomes Project 30x 0.67364; 1000 Genomes Project 0.67612.
gnomAD v4.1: 937,000 of 1,527,248 alleles (61%); highest among the groups gnomAD compares: East Asian, 87%; 289,946 homozygotes.

Submissions (12):

Labcorp Genetics (formerly Invitae), Labcorp
Classification: Benign. Last evaluated: 2026-02-04. Review status: criteria provided, single submitter. Criteria: Invitae Variant Classification Sherloc (09022015). Collection method: clinical testing. Allele origin: germline.

Blueprint Genetics
Classification: Benign. Last evaluated: 2024-11-27. Review status: criteria provided, single submitter. Criteria: ACMG Guidelines, 2015. Collection method: clinical testing. Allele origin: germline.

Mendelics
Classification: Benign for Neonatal diabetes mellitus with congenital hypothyroidism. Last evaluated: 2019-05-28. Review status: criteria provided, single submitter. Criteria: Mendelics Assertion Criteria 2017. Collection method: clinical testing. Allele origin: unknown.

GeneDx
Classification: Benign. Last evaluated: 2018-11-12. Review status: criteria provided, single submitter. Criteria: GeneDx Variant Classification Process June 2021. Collection method: clinical testing. Allele origin: germline. Affected: yes.

Illumina Laboratory Services, Illumina
Classification: Benign for Neonatal diabetes mellitus with congenital hypothyroidism. Last evaluated: 2018-01-12. Review status: criteria provided, single submitter. Criteria: ICSL Variant Classification Criteria 13 December 2019. Collection method: clinical testing. Allele origin: germline.
Comment: This variant was observed in the ICSL laboratory as part of a predisposition screen in an ostensibly healthy population. It had not been previously curated by ICSL or reported in the Human Gene Mutation Database (HGMD: prior to June 1st, 2018), and was therefore a candidate for classification through an automated scoring system. Utilizing variant allele frequency, disease prevalence and penetrance estimates, and inheritance mode, an automated score was calculated to assess if this variant is too frequent to cause the disease. Based on the score and internal cut-off values, a variant classified as benign is not then subjected to further curation. The score for this variant resulted in a classification of benign for this disease.

Eurofins Ntd Llc (ga)
Classification: Benign. Last evaluated: 2016-02-25. Review status: criteria provided, single submitter. Criteria: EGL Classification Definitions 2015. Collection method: clinical testing. Allele origin: germline. Observed: 3 variant alleles, 1 heterozygote, 2 homozygotes.

Breakthrough Genomics
Classification: Benign. Review status: criteria provided, single submitter. Criteria: ACMG Guidelines, 2015. Collection method: not provided. Allele origin: germline. Inheritance: Autosomal recessive inheritance. Affected: yes.

Clinical Genomics, Uppaluri K&H Personalized Medicine Clinic
Classification: Benign for Diabetes mellitus. Review status: criteria provided, single submitter. Criteria: K&H Uppaluri Personalized Medicine Clinic Variant Classification & Assertion Criteria. Collection method: research. Allele origin: somatic. Inheritance: Autosomal recessive inheritance. Affected: yes.
Comment: Mutations in GLIS3 can predispose to neonatal diabetes mellitus with an extra pancreatic manifestation of hypothyroidism. P456Q (rs6415788) also predisposes to early onset diabetes in adults.

PreventionGenetics, part of Exact Sciences
Classification: Benign. Review status: criteria provided, single submitter. Criteria: ACMG Guidelines, 2015. Collection method: clinical testing. Allele origin: germline.

Clinical Genetics, Academic Medical Center
Classification: Benign. Review status: no assertion criteria provided. Collection method: clinical testing. Allele origin: germline. Affected: yes. Study: VKGL Data-share Consensus. Not counted in ClinVar's aggregate classification.

Diagnostic Laboratory, Department of Genetics, University Medical Center Groningen
Classification: Benign. Review status: no assertion criteria provided. Collection method: clinical testing. Allele origin: germline. Affected: yes. Study: VKGL Data-share Consensus. Not counted in ClinVar's aggregate classification.

Genetic Services Laboratory, University of Chicago
Classification: Likely benign for AllHighlyPenetrant. Review status: no assertion criteria provided. Collection method: clinical testing. Allele origin: germline. Inheritance: Autosomal recessive inheritance. Not counted in ClinVar's aggregate classification.
Comment: Likely benign based on allele frequency in 1000 Genomes Project or ESP global frequency and its presence in a patient with a rare or unrelated disease phenotype. NOT Sanger confirmed.

Literature cited by the submitters: PubMed 31415576 (cited by Clinical Genomics, Uppaluri K&H Personalized Medicine Clinic).

NM_001042413.2(GLIS3):c.1367C>A (p.Pro456Gln)

Gene: GLIS3 (GLIS family zinc finger 3; minus strand). Cytogenetic location: 9p24.2.
Variant type: single nucleotide variant.
Coding change: c.1367C>A on transcript NM_001042413.2 (MANE Select); coding-DNA position 1367, C replaced by A.
Protein change: p.Pro456Gln; replaces proline 456 with glutamine.
Molecular consequence: missense variant.
Genome position (GRCh38, 1-based): chr9:4,118,111, G>T on the plus strand (C>A on the coding strand, the complement: GLIS3 is on the minus strand). VCF-style: chr9-4118111-G-T. GRCh37 (hg19) VCF-style: chr9-4118111-G-T.
Other names: c.902C>A, p.Pro301Gln (NM_152629.4); short protein forms P456Q, P301Q.
Identifiers: ClinVar variation 129160 (VCV000129160.29), dbSNP rs6415788, ClinGen allele CA152991.